The following is an entry in ClinVar:

NM_015102.5(NPHP4):c.862C>T (p.Arg288Cys)

Gene: NPHP4 (nephrocystin 4; minus strand). Cytogenetic location: 1p36.31.
Variant type: single nucleotide variant.
Coding change: c.862C>T on transcript NM_015102.5 (MANE Select); coding-DNA position 862, C replaced by T.
Protein change: p.Arg288Cys; replaces arginine 288 with cysteine.
Molecular consequence: missense variant. On other transcripts: 5 prime UTR variant (2), non-coding transcript variant (1).
Genome position (GRCh38, 1-based): chr1:5,948,200, G>A on the plus strand (C>T on the coding strand, the complement: NPHP4 is on the minus strand). VCF-style: chr1-5948200-G-A. GRCh37 (hg19) VCF-style: chr1-6008260-G-A.
Other names: c.-505C>T (NM_001291593.2, NM_001291594.2); c.862C>T (NM_015102.3); short protein forms R288C.
Identifiers: ClinVar variation 1410699 (VCV001410699.7), dbSNP rs372256352, ClinGen allele CA554717.

ClinVar aggregate classification (germline): Conflicting classifications of pathogenicity. Review status: criteria provided, conflicting classifications (1 of 4 stars). 2 submissions from 2 submitters: Uncertain significance (1); Likely benign (1). Last evaluated 2025-12-15.

Conditions:
Inborn genetic diseases. Identifiers: MedGen C0950123, MeSH D030342.
Nephronophthisis. Also called: Juvenile Nephronophthisis. Identifiers: Orphanet 655, MedGen C0687120, MONDO:0019005, HP:0000090.

Allele frequency attached by ClinVar (database versions not stated): ExAC 0.00005; ESP Exome Variant Server 0.00008.
gnomAD v4.1: 41 of 1,605,394 alleles (0.0026%); highest among the groups gnomAD compares: South Asian, 0.0078%; no homozygotes.

Submissions (2):

Labcorp Genetics (formerly Invitae), Labcorp
Classification: Uncertain significance for Nephronophthisis. Last evaluated: 2025-12-15. Review status: criteria provided, single submitter. Criteria: Invitae Variant Classification Sherloc (09022015). Collection method: clinical testing. Allele origin: germline.
Comment: This sequence change replaces arginine, which is basic and polar, with cysteine, which is neutral and slightly polar, at codon 288 of the NPHP4 protein (p.Arg288Cys). This variant is present in population databases (rs372256352, gnomAD 0.02%). This variant has not been reported in the literature in individuals affected with NPHP4-related conditions. ClinVar contains an entry for this variant (Variation ID: 1410699). Invitae Evidence Modeling of protein sequence and biophysical properties (such as structural, functional, and spatial information, amino acid conservation, physicochemical variation, residue mobility, and thermodynamic stability) indicates that this missense variant is not expected to disrupt NPHP4 protein function with a negative predictive value of 80%. In summary, the available evidence is currently insufficient to determine the role of this variant in disease. Therefore, it has been classified as a Variant of Uncertain Significance.

Ambry Genetics
Classification: Likely benign for Inborn genetic diseases. Last evaluated: 2024-04-20. Review status: criteria provided, single submitter. Criteria: Ambry Variant Classification Scheme 2023. Collection method: clinical testing. Allele origin: germline.